The following is an entry in ClinVar:

ClinVar aggregate classification (germline): Pathogenic (1 of 4 stars; one submission).

Conditions:
Neurofibromatosis, type 1 (NF1). Also called: VON RECKLINGHAUSEN DISEASE; NEUROFIBROMATOSIS, TYPE I, SOMATIC; Neurofibromatosis, type I; Peripheral type neurofibromatosis. Identifiers: Orphanet 636, MedGen C0027831, MONDO:0018975, OMIM 162200. Disease mechanism: loss of function.

Submission:

Labcorp Genetics (formerly Invitae), Labcorp
Classification: Pathogenic for Neurofibromatosis, type 1. Last evaluated: 2021-10-05. Review status: criteria provided, single submitter. Criteria: Invitae Variant Classification Sherloc (09022015). Collection method: clinical testing. Allele origin: germline.
Comment: Retrotransposon insertions including LINE1 (L1), Alu, and SVA (SINE-VNTR-Alu) have been reported to be disease-causing through disruption of either a coding region or splice site (PMID: 19763152, 20307669, 22406018) and loss-of-function variants in NF1 are known to be pathogenic (PMID: 10712197, 23913538). For these reasons, this variant has been classified as Pathogenic. Algorithms developed to predict the effect of sequence changes on RNA splicing suggest that this variant may create or strengthen a splice site. This variant has not been reported in the literature in individuals affected with NF1-related conditions. This variant is not present in population databases (ExAC no frequency). This sequence change inserts a large fragment of DNA, likely a transposable element, in exon 6 of the NF1 gene (c.627_628ins?), causing a frameshift at codon 210 (p.Leu210fs). The exact size and sequence of the insertion cannot be determined by the current assay. However, the insertion is expected to result in an absent or disrupted protein product.

Literature cited by the submitters: PubMed 19763152; PubMed 20307669; PubMed 22406018; PubMed 10712197; PubMed 23913538.

NM_001042492.3(NF1):c.627_628insGCCGGGCGCGGTGGCTCACGCCTGTAATCCCAGAACTTTGGGAGGCCGAGGCGGGCGGATCACGAGGNNNNNNNNNNAAAAAAAAAAAAAAAAAAAAAAAGAAGGTTGCGCAG (p.Leu210delinsAlaGlyArgGlyGlySerArgLeuTer)

Gene: NF1 (neurofibromin 1; plus strand). Cytogenetic location: 17q11.2.
Variant type: Insertion.
Coding change: c.627_628insGCCGGGCGCGGTGGCTCACGCCTGTAATCCCAGAACTTTGGGAGGCCGAGGCGGGCGGATCACGAGGNNNNNNNNNNAAAAAAAAAAAAAAAAAAAAAAAGAAGGTTGCGCAG on transcript NM_001042492.3 (MANE Select); coding-DNA positions 627 to 628, GCCGGGCGCGGTGGCTCACGCCTGTAATCCCAGAACTTTGGGAGGCCGAGGCGGGCGGATCACGAGGNNNNNNNNNNAAAAAAAAAAAAAAAAAAAAAAAGAAGGTTGCGCAG inserted.
Protein change: p.Leu210delinsAlaGlyArgGlyGlySerArgLeuTer.
Molecular consequence: nonsense. On other transcripts: frameshift variant (1).
Genome position: GRCh38: chr17:31,181,462-31,181,463. GRCh37 (hg19): chr17:29,508,480-29,508,481.
Other names: c.627_628insGCCGGGCGCGGTGGCTCACGCCTGTAATCCCAGAACTTTGGGAGGCCGAGGCGGGCGGATCACGAGGNNNNNNNNNNAAAAAAAAAAAAAAAAAAAAAAAGAAGGTTGCGCAG, p.Leu210Alafs (NM_000267.4); c.627_628insGCCGGGCGCGGTGGCTCACGCCTGTAATCCCAGAACTTTGGGAGGCCGAGGCGGGCGGATCACGAGGNNNNNNNNNNAAAAAAAAAAAAAAAAAAAAAAAGAAGGTTGCGCAG, p.Leu210delinsAlaGlyArgGlyGlySerArgLeuTer (NM_001128147.3).
Identifiers: ClinVar variation 1422651 (VCV001422651.6), dbSNP rs2143774220.